The following is an entry in ClinVar:

NM_004995.4(MMP14):c.712G>T (p.Val238Leu)

Gene: MMP14 (matrix metallopeptidase 14; plus strand). Cytogenetic location: 14q11.2.
Variant type: single nucleotide variant.
Coding change: c.712G>T on transcript NM_004995.4 (MANE Select); coding-DNA position 712, G replaced by T.
Protein change: p.Val238Leu; replaces valine 238 with leucine.
Molecular consequence: missense variant.
Genome position (GRCh38, 1-based): chr14:22,843,280, G>T. VCF-style: chr14-22843280-G-T. GRCh37 (hg19) VCF-style: chr14-23312489-G-T.
Other names: short protein forms V238L.
Identifiers: ClinVar variation 1402903 (VCV001402903.6), dbSNP rs200519097, ClinGen allele CA7105237.

ClinVar aggregate classification (germline): Uncertain significance (1 of 4 stars; one submission).

Allele frequency attached by ClinVar (database versions not stated): ExAC 0.00005; gnomAD exomes 0.00006; TOPMed 0.00009; gnomAD 0.00010.
gnomAD v4.1: 378 of 1,613,818 alleles (0.023%); highest among the groups gnomAD compares: Non-Finnish European, 0.032%; no homozygotes.

Submission:

Labcorp Genetics (formerly Invitae), Labcorp
Classification: Uncertain significance. Last evaluated: 2025-01-21. Review status: criteria provided, single submitter. Criteria: Invitae Variant Classification Sherloc (09022015). Collection method: clinical testing. Allele origin: germline.
Comment: This sequence change replaces valine, which is neutral and non-polar, with leucine, which is neutral and non-polar, at codon 238 of the MMP14 protein (p.Val238Leu). This variant is present in population databases (rs200519097, gnomAD 0.01%). This variant has not been reported in the literature in individuals affected with MMP14-related conditions. ClinVar contains an entry for this variant (Variation ID: 1402903). Invitae Evidence Modeling of protein sequence and biophysical properties (such as structural, functional, and spatial information, amino acid conservation, physicochemical variation, residue mobility, and thermodynamic stability) indicates that this missense variant is not expected to disrupt MMP14 protein function with a negative predictive value of 80%. In summary, the available evidence is currently insufficient to determine the role of this variant in disease. Therefore, it has been classified as a Variant of Uncertain Significance.